The following is an entry in ClinVar:

NM_000284.4(PDHA1):c.904C>T (p.Arg302Cys)

Gene: PDHA1 (pyruvate dehydrogenase E1 subunit alpha 1; plus strand). Cytogenetic location: Xp22.12.
Variant type: single nucleotide variant.
Coding change: c.904C>T on transcript NM_000284.4 (MANE Select); coding-DNA position 904, C replaced by T.
Protein change: p.Arg302Cys; replaces arginine 302 with cysteine.
Molecular consequence: missense variant.
Genome position (GRCh38, 1-based): chrX:19,358,920, C>T. VCF-style: chrX-19358920-C-T. GRCh37 (hg19) VCF-style: chrX-19377038-C-T.
Other names: p.R302C:CGT>TGT; c.1018C>T (NM_001173454.1); c.1018C>T, p.Arg340Cys (NM_001173454.2); c.925C>T, p.Arg309Cys (NM_001173455.2); c.811C>T, p.Arg271Cys (NM_001173456.2); short protein forms R302C, R309C, R271C, R340C.
Identifiers: ClinVar variation 10879 (VCV000010879.64), dbSNP rs137853252, ClinGen allele CA121214.

ClinVar aggregate classification (germline): Pathogenic. Review status: criteria provided, multiple submitters, no conflicts (2 of 4 stars). 13 submissions from 13 submitters: Pathogenic (11). 2 of the submissions do not count toward it. Last evaluated 2025-12-24.

Conditions:
PDHA1-related disorder. Also called: PDHA1-related condition.
Inborn genetic diseases. Identifiers: MedGen C0950123, MeSH D030342.
Pyruvate dehydrogenase E1-alpha deficiency (PDHAD). Also called: ATAXIA, INTERMITTENT, WITH PYRUVATE DEHYDROGENASE DEFICIENCY; ATAXIA WITH LACTIC ACIDOSIS I; ATAXIA, INTERMITTENT, WITH ABNORMAL PYRUVATE METABOLISM; Ataxia, intermittent, with pyruvate dehydrogenase, or decarboxylase, deficiency. Identifiers: Orphanet 79243, MedGen C1839413, MONDO:0010717, OMIM 312170.

Submissions (13):

3billion
Classification: Pathogenic for Pyruvate dehydrogenase E1-alpha deficiency. Last evaluated: 2025-12-24. Review status: criteria provided, single submitter. Criteria: ACMG Guidelines, 2015. Collection method: clinical testing. Allele origin: germline. Affected: yes.
Comment: The variant is not observed in the gnomAD v4.1.0 dataset. Predicted Consequence/Location: The variant is located in a mutational hot spot and/or well-established functional domain in which established pathogenic variants have been reported. In silico tool predictions suggest damaging effect of the variant on gene or gene product [REVEL: 0.95 (>=0.6, sensitivity 0.68 and specificity 0.92); 3Cnet: 0.97 (> 0.75, sensitivity 0.96 and precision 0.92)]. The same nucleotide change resulting in the same amino acid change has been previously reported as pathogenic/likely pathogenic with strong evidence (ClinVar ID: VCV000010879 /PMID: 1293379). The variant has been previously reported as assumed (i.e. paternity and maternity not confirmed) de novo in at least one similarly affected unrelated individual (PMID: 21914562). Different missense changes at the same codon (p.Arg302His, p.Arg302Leu) have been reported as pathogenic/likely pathogenic with strong evidence (ClinVar ID: VCV000419850, VCV004070397 /PMID: 10679936, 9671272). Therefore, this variant is classified as Pathogenic according to the recommendation of ACMG/AMP guideline.

CeGaT Center for Human Genetics Tuebingen
Classification: Pathogenic. Last evaluated: 2025-07-01. Review status: criteria provided, single submitter. Criteria: CeGaT Center For Human Genetics Tuebingen Variant Classification Criteria Version 2. Collection method: clinical testing. Allele origin: germline. Affected: yes. Observed: 4 variant alleles.
Comment: PDHA1: PS2, PM1, PM2, PM5, PS4:Moderate, PP2, PP3, PS3:Supporting

Victorian Clinical Genetics Services, Murdoch Childrens Research Institute
Classification: Pathogenic for Pyruvate dehydrogenase E1-alpha deficiency. Last evaluated: 2025-05-08. Review status: criteria provided, single submitter. Criteria: ACMG Guidelines, 2015. Collection method: clinical testing. Allele origin: germline. Affected: yes.
Comment: This variant is classified as Pathogenic. Evidence in support of pathogenic classification: Variant is absent from gnomAD (v2, v3 and v4); This variant has strong previous evidence of pathogenicity in unrelated individuals. This variant has been classified as pathogenic by multiple clinical laboratories in ClinVar; Another missense variant comparable to the one identified in this case has moderate previous evidence for pathogenicity. The p.(Arg302His) variant has been classified as pathogenic by multiple clinical laboratories in ClinVar; Missense variant predicted to be damaging by in silico tool(s) or highly conserved with a major amino acid change; Additional information: Variant is predicted to result in a missense amino acid change from arginine to cysteine; This variant is heterozygous; This gene is associated with X-linked dominant disease. Affected males have been reported with variants shown to cause partial enzyme deficiency, however, variants causing a severe enzyme deficiency are presumed to be embryonically lethal (PMID: 22142326); Variant is located in the annotated dehydrogenase E1 component domain (DECIPHER); Loss of function is a known mechanism of disease in this gene and is associated with pyruvate dehydrogenase E1-alpha deficiency (MIM#312170). - Variants in this gene are known to have variable expressivity. Depending on the residual enzymatic activity, the severity of phenotypic presentation can vary. Additionally, the severity in females is dependent on X-chromosome inactivation patterns (OMIM, PMID: 22142326).

Labcorp Genetics (formerly Invitae), Labcorp
Classification: Pathogenic for Pyruvate dehydrogenase E1-alpha deficiency. Last evaluated: 2024-07-31. Review status: criteria provided, single submitter. Criteria: Invitae Variant Classification Sherloc (09022015). Collection method: clinical testing. Allele origin: germline.
Comment: This sequence change replaces arginine, which is basic and polar, with cysteine, which is neutral and slightly polar, at codon 302 of the PDHA1 protein (p.Arg302Cys). This variant is not present in population databases (gnomAD no frequency). This missense change has been observed in individual(s) with pyruvate dehydrogenase deficiency (PMID: 1293379, 9671272, 20002461, 21846590, 26865159). In at least one individual the variant was observed to be de novo. ClinVar contains an entry for this variant (Variation ID: 10879). Advanced modeling of protein sequence and biophysical properties (such as structural, functional, and spatial information, amino acid conservation, physicochemical variation, residue mobility, and thermodynamic stability) performed at Invitae indicates that this missense variant is expected to disrupt PDHA1 protein function with a positive predictive value of 95%. Experimental studies have shown that this missense change affects PDHA1 function (PMID: 9671272, 21846590). For these reasons, this variant has been classified as Pathogenic.

Blueprint Genetics
Classification: Pathogenic for PDHA1-related disorders. Last evaluated: 2023-05-11. Review status: criteria provided, single submitter. Criteria: ACMG Guidelines, 2015. Collection method: clinical testing. Allele origin: germline. Affected: yes. Observed: 1 variant allele.

PreventionGenetics, part of Exact Sciences
Classification: Pathogenic for PDHA1-related condition. Last evaluated: 2023-02-22. Review status: criteria provided, single submitter. Criteria: ACMG Guidelines, 2015. Collection method: clinical testing. Allele origin: germline.
Comment: The PDHA1 c.1018C>T variant is predicted to result in the amino acid substitution p.Arg340Cys. This variant, also known as c.904C>T, p.Arg302Cys in the transcript NM_000284.4, has been reported to be causative for pyruvate dehydrogenase deficiency (Quintana et al. 2009. PubMed ID: 20002461; Glushakova et al. 2011. PubMed ID: 21846590; Parrini et al. 2017. PubMed ID: 27864847; Pirot et al. 2016. PubMed ID: 26865159; Stranneheim et al. 2014. PubMed ID: 25495354). This variant has not been reported in a large population database, indicating this variant is rare. This variant is interpreted as pathogenic.

GeneDx
Classification: Pathogenic. Last evaluated: 2022-06-28. Review status: criteria provided, single submitter. Criteria: GeneDx Variant Classification Process June 2021. Collection method: clinical testing. Allele origin: germline. Affected: yes.
Comment: Published functional studies demonstrate that colonies harboring the R302C variant had no functional enzyme activity (Drakulic et al., 2018); In silico analysis supports that this missense variant has a deleterious effect on protein structure/function; Not observed at significant frequency in large population cohorts (gnomAD); This variant is associated with the following publications: (PMID: 27864847, 21846590, 25495354, 25525159, 26865159, 9671272, 1293379, 31658717, 31665995, 20002461, 29445841, 35261462)

Revvity Omics, Revvity
Classification: Pathogenic for Pyruvate dehydrogenase E1-alpha deficiency. Last evaluated: 2021-12-29. Review status: criteria provided, single submitter. Criteria: ACMG Guidelines, 2015. Collection method: clinical testing. Allele origin: germline.

Baylor Genetics
Classification: Pathogenic for Pyruvate dehydrogenase E1-alpha deficiency. Last evaluated: 2020-09-22. Review status: criteria provided, single submitter. Criteria: ACMG Guidelines, 2015. Collection method: clinical testing. Allele origin: de novo. Affected: yes.
Comment: This variant was determined to be pathogenic according to ACMG Guidelines, 2015 [PMID:25741868].

Genomic Medicine Lab, University of California San Francisco
Classification: Pathogenic for Pyruvate dehydrogenase E1-alpha deficiency. Last evaluated: 2018-09-06. Review status: criteria provided, single submitter. Criteria: ACMG Guidelines, 2015. Collection method: clinical testing. Allele origin: de novo. Inheritance: X-linked inheritance. Affected: yes. Study: CSER.

Ambry Genetics
Classification: Pathogenic for Inborn genetic diseases. Last evaluated: 2017-04-07. Review status: criteria provided, single submitter. Criteria: Ambry exome assertion method (8-5-2015). Collection method: clinical testing. Allele origin: germline. Affected: yes. Observed: 1 variant allele.

PDHA1 Study Group, University Children’s Hospital, Paracelsus Medical University
Classification: Pathogenic for Pyruvate dehydrogenase E1-alpha deficiency. Last evaluated: 2024-10-15. Review status: no assertion criteria provided. Collection method: research. Allele origin: de novo. Affected: yes. Observed: 40 variant alleles. Not counted in ClinVar's aggregate classification.
Comment: The NM_000284.3:c.904C>T (p.Arg302Cys) substitution is a missense variant in the PDHA1 gene. This variant is absent or extremely rare in population-based cohorts in the Genome Aggregation Database (gnomAD). In total, 40 individuals diagnosed with PDHA1-related pyruvate dehydrogenase complex (PDHc) deficiency (MIM #312170) harbor this variant, including 2 males and 36 females. Among these, 11 cases have confirmed de novo occurrence, and 3 are confirmed inherited. The variant is reported in 28 published cases (PMIDs: 8352855, 1293379, 8962591, 8664900, 9671272, 10679936, 15384102, 21914562, 21846590, 22079328, 25356417, 26865159, 28918066, 33629572, 33958329, 23112753), with an additional 12 unpublished cases from internal data. The last literature search is conducted on July 12, 2024. Individuals present with clinical features consistent with PDHA1-related PDHc deficiency. Based on the ACMG/AMP criteria applied (PS3, PM2, PM7, PP2, PP3), this variant is classified as pathogenic (P) (last assessment October 15, 2024).

OMIM
Classification: Pathogenic for PYRUVATE DEHYDROGENASE E1-ALPHA DEFICIENCY. Last evaluated: 1998-01-01. Review status: no assertion criteria provided. Collection method: literature only. Allele origin: germline. Not counted in ClinVar's aggregate classification.

Literature cited by the submitters: PubMed 1293379 (cited by 3 submitters); PubMed 10679936 (cited by 3billion and PDHA1 Study Group, University Children’s Hospital, Paracelsus Medical University); PubMed 21914562 (cited by 3billion and PDHA1 Study Group, University Children’s Hospital, Paracelsus Medical University); PubMed 22142326 (cited by Victorian Clinical Genetics Services, Murdoch Childrens Research Institute); PubMed 9671272 (cited by 3 submitters); PubMed 20002461 (cited by Labcorp Genetics (formerly Invitae), Labcorp and Ambry Genetics); PubMed 21846590 (cited by 3 submitters); PubMed 26865159 (cited by 3 submitters); PubMed 25495354 (cited by Ambry Genetics); PubMed 8352855 (cited by PDHA1 Study Group, University Children’s Hospital, Paracelsus Medical University); PubMed 8962591 (cited by PDHA1 Study Group, University Children’s Hospital, Paracelsus Medical University); PubMed 8664900 (cited by PDHA1 Study Group, University Children’s Hospital, Paracelsus Medical University); PubMed 15384102 (cited by PDHA1 Study Group, University Children’s Hospital, Paracelsus Medical University); PubMed 22079328 (cited by PDHA1 Study Group, University Children’s Hospital, Paracelsus Medical University); PubMed 25356417 (cited by PDHA1 Study Group, University Children’s Hospital, Paracelsus Medical University); PubMed 28918066 (cited by PDHA1 Study Group, University Children’s Hospital, Paracelsus Medical University); PubMed 33629572 (cited by PDHA1 Study Group, University Children’s Hospital, Paracelsus Medical University); PubMed 33958329 (cited by PDHA1 Study Group, University Children’s Hospital, Paracelsus Medical University); PubMed 23112753 (cited by PDHA1 Study Group, University Children’s Hospital, Paracelsus Medical University); DOI 10.1093/brain/awaf430 (cited by PDHA1 Study Group, University Children’s Hospital, Paracelsus Medical University); PubMed 3034892 (cited by OMIM).